The following is an entry in ClinVar:

NM_000944.5(PPP3CA):c.702C>A (p.Asp234Glu)

Gene: PPP3CA (protein phosphatase 3 catalytic subunit alpha; minus strand). Cytogenetic location: 4q24.
Variant type: single nucleotide variant.
Coding change: c.702C>A on transcript NM_000944.5 (MANE Select); coding-DNA position 702, C replaced by A.
Protein change: p.Asp234Glu; replaces aspartic acid 234 with glutamic acid.
Molecular consequence: missense variant.
Genome position (GRCh38, 1-based): chr4:101,093,856, G>T on the plus strand (C>A on the coding strand, the complement: PPP3CA is on the minus strand). VCF-style: chr4-101093856-G-T. GRCh37 (hg19) VCF-style: chr4-102015013-G-T.
Other names: c.702C>A, p.Asp234Glu (NM_001130691.2, NM_001130692.2); short protein forms D234E.
Identifiers: ClinVar variation 1452512 (VCV001452512.10), dbSNP rs780035527, ClinGen allele CA357949259.
Genomic context (GRCh38, chr4:101,093,856, plus strand): 5'-CCTGACTGTGTTGTGAGTGAAATGTTCCTGAGTCTTCTCATTTCCAAAATCTTCCAGGGG[G>T]TCTGACCACAGGATATCACACATAGGTCCATATGCAGGTGGTTCTTTGAATCGGTCTAAC-3'
Protein context (NP_000935.1, residues 224-244): YGPMCDILWS[Asp234Glu]PLEDFGNEKT

ClinVar aggregate classification (germline): Pathogenic/Likely pathogenic. Review status: criteria provided, multiple submitters, no conflicts (2 of 4 stars). 4 submissions from 4 submitters: Pathogenic (2); Likely pathogenic (2). Last evaluated 2025-05-30.

Conditions:
Developmental and epileptic encephalopathy 91. Also called: EPILEPTIC ENCEPHALOPATHY, INFANTILE OR EARLY CHILDHOOD, 1. Identifiers: MedGen C4540199, MONDO:0020630, OMIM 617711.
PPP3CA-related disorder. Also called: PPP3CA-related condition; PPP3CA-related disorders.

Submissions (4):

Variantyx, Inc.
Classification: Likely pathogenic for Developmental and epileptic encephalopathy 91. Last evaluated: 2025-05-30. Review status: criteria provided, single submitter. Criteria: Variantyx Assertion Criteria 2022. Collection method: clinical testing. Allele origin: de novo. Inheritance: Autosomal dominant inheritance. Affected: yes.
Comment: This is a nonsynonymous variant in the PPP3CA gene (OMIM: 114105). Pathogenic variants in this gene have been associated with autosomal dominant developmental and epileptic encephalopathy 91. Functional studies have shown that this variant alters PPP3CA protein function (PMID: 29432562) (PS3_Moderate). This variant is absent from control populations (PM2). Based on the current evidence, this variant is classified as likely pathogenic for autosomal dominant developmental and epileptic encephalopathy 91.

Pediatric Department, Peking University First Hospital
Classification: Pathogenic for Developmental and epileptic encephalopathy 91. Last evaluated: 2025-05-24. Review status: criteria provided, single submitter. Criteria: ACMG Guidelines, 2015. Collection method: research. Allele origin: de novo. Affected: yes.
Comment: Pathogenic(PS2, PM2, PP2, PP3)

Blueprint Genetics
Classification: Likely pathogenic for PPP3CA-related disorders. Last evaluated: 2021-05-19. Review status: criteria provided, single submitter. Criteria: ACMG Guidelines, 2015. Collection method: clinical testing. Allele origin: germline. Affected: yes. Observed: 1 variant allele.

Labcorp Genetics (formerly Invitae), Labcorp
Classification: Pathogenic. Last evaluated: 2021-05-17. Review status: criteria provided, single submitter. Criteria: Invitae Variant Classification Sherloc (09022015). Collection method: clinical testing. Allele origin: germline.
Comment: For these reasons, this variant has been classified as Pathogenic. Experimental studies have shown that this variant affects PPP3CA protein function (PMID: 29432562). This variant has been observed in individual(s) with West Syndome (PMID: 29432562). In at least one individual the variant was observed to be de novo. This variant is not present in population databases (ExAC no frequency). This sequence change replaces aspartic acid with glutamic acid at codon 234 of the PPP3CA protein (p.Asp234Glu). The aspartic acid residue is highly conserved and there is a small physicochemical difference between aspartic acid and glutamic acid.

Literature cited by the submitters: PubMed 29432562 (cited by Variantyx, Inc. and Labcorp Genetics (formerly Invitae), Labcorp).